The following is an entry in ClinVar:

ClinVar aggregate classification (germline): Benign (1 of 4 stars; one submission).

Allele frequency attached by ClinVar (database versions not stated): 1000 Genomes Project 30x 0.05200; 1000 Genomes Project 0.05371; TOPMed 0.07324; gnomAD 0.07877 and 0.07942.
gnomAD v4.1: 12,121 of 152,300 alleles (8%); highest among the groups gnomAD compares: Non-Finnish European, 11%; 627 homozygotes.

Submission:

GeneDx
Classification: Benign. Last evaluated: 2018-06-18. Review status: criteria provided, single submitter. Criteria: GeneDx Variant Classification (06012015). Collection method: clinical testing. Allele origin: germline. Affected: yes.
Comment: This variant is considered likely benign or benign based on one or more of the following criteria: it is a conservative change, it occurs at a poorly conserved position in the protein, it is predicted to be benign by multiple in silico algorithms, and/or has population frequency not consistent with disease.

NM_001999.4(FBN2):c.4879+269T>C

Gene: FBN2 (fibrillin 2; minus strand). Cytogenetic location: 5q23.3.
Variant type: single nucleotide variant.
Coding change: c.4879+269T>C on transcript NM_001999.4 (MANE Select); 269 bases into the intron after coding-DNA position 4879, T replaced by C.
Molecular consequence: intron variant.
Genome position (GRCh38, 1-based): chr5:128,312,365, A>G on the plus strand (T>C on the coding strand, the complement: FBN2 is on the minus strand). VCF-style: chr5-128312365-A-G. GRCh37 (hg19) VCF-style: chr5-127648057-A-G.
Identifiers: ClinVar variation 683533 (VCV000683533.1), dbSNP rs10076728, ClinGen allele CA126990223.